The following is an entry in ClinVar:

ClinVar aggregate classification (germline): Uncertain significance (1 of 4 stars; one submission).

Conditions:
Imerslund-Grasbeck syndrome. Also called: ENTEROCYTE COBALAMIN MALABSORPTION; ENTEROCYTE INTRINSIC FACTOR RECEPTOR, DEFECT OF; PERNICIOUS ANEMIA, JUVENILE, DUE TO SELECTIVE INTESTINAL MALABSORPTION OF VITAMIN B12, WITH PROTEINURIA; Imerslund-Gräsbeck syndrome; Megaloblastic anemia due to inborn errors of metabolism. Identifiers: Orphanet 35858, MedGen C4551825, MONDO:0009853.

Submission:

Labcorp Genetics (formerly Invitae), Labcorp
Classification: Uncertain significance for Imerslund-Grasbeck syndrome. Last evaluated: 2022-11-08. Review status: criteria provided, single submitter. Criteria: Invitae Variant Classification Sherloc (09022015). Collection method: clinical testing. Allele origin: germline.
Comment: This sequence change replaces histidine, which is basic and polar, with arginine, which is basic and polar, at codon 529 of the CUBN protein (p.His529Arg). This variant is not present in population databases (gnomAD no frequency). This variant has not been reported in the literature in individuals affected with CUBN-related conditions. Advanced modeling of protein sequence and biophysical properties (such as structural, functional, and spatial information, amino acid conservation, physicochemical variation, residue mobility, and thermodynamic stability) performed at Invitae indicates that this missense variant is not expected to disrupt CUBN protein function. In summary, the available evidence is currently insufficient to determine the role of this variant in disease. Therefore, it has been classified as a Variant of Uncertain Significance.

NM_001081.4(CUBN):c.1586A>G (p.His529Arg)

Gene: CUBN (cubilin; minus strand). Cytogenetic location: 10p13.
Variant type: single nucleotide variant.
Coding change: c.1586A>G on transcript NM_001081.4 (MANE Select); coding-DNA position 1586, A replaced by G.
Protein change: p.His529Arg; replaces histidine 529 with arginine.
Molecular consequence: missense variant.
Genome position (GRCh38, 1-based): chr10:17,100,184, T>C on the plus strand (A>G on the coding strand, the complement: CUBN is on the minus strand). VCF-style: chr10-17100184-T-C. GRCh37 (hg19) VCF-style: chr10-17142183-T-C.
Other names: short protein forms H529R.
Identifiers: ClinVar variation 1895533 (VCV001895533.5), dbSNP rs2492035992, ClinGen allele CA376158143.
Genomic context (GRCh38, chr10:17,100,184, plus strand): 5'-CAAAATCTTCCAAGTTGAAAAGCAGAAGAGGAATCTCCATCATAAACCTGAAGAAACTCG[T>C]GTGGACAGTTGTCCATGGATTCTAACCGGAAAAAAGTGAAAGTGATACGCAGGACCTAAA-3'
Protein context (NP_001072.2, residues 519-539): FRLESMDNCP[His529Arg]EFLQVYDGDS